The following is an entry in ClinVar:

ClinVar aggregate classification (germline): Uncertain significance. Review status: criteria provided, multiple submitters, no conflicts (2 of 4 stars). 3 submissions from 3 submitters: Uncertain significance (3). Last evaluated 2025-11-28.

Conditions:
Combined oxidative phosphorylation defect type 27. Also called: Combined oxidative phosphorylation deficiency 27. Identifiers: Orphanet 477774, MedGen C5567608, MONDO:0014728, OMIM 616672.

Allele frequency attached by ClinVar (database versions not stated): 1000 Genomes Project 0.00020; TOPMed 0.00002; gnomAD 0.00001; ExAC 0.00010; 1000 Genomes Project 30x 0.00031.
gnomAD v4.1: 14 of 1,583,740 alleles (0.00088%); highest among the groups gnomAD compares: South Asian, 0.0057%; no homozygotes.

Submissions (3):

Labcorp Genetics (formerly Invitae), Labcorp
Classification: Uncertain significance for Combined oxidative phosphorylation defect type 27. Last evaluated: 2025-11-28. Review status: criteria provided, single submitter. Criteria: Invitae Variant Classification Sherloc (09022015). Collection method: clinical testing. Allele origin: germline.
Comment: This sequence change replaces arginine, which is basic and polar, with tryptophan, which is neutral and slightly polar, at codon 512 of the CARS2 protein (p.Arg512Trp). The frequency data for this variant in the population databases is considered unreliable, as metrics indicate poor data quality at this position in the gnomAD database. This variant has not been reported in the literature in individuals affected with CARS2-related conditions. ClinVar contains an entry for this variant (Variation ID: 1422201). An algorithm developed to predict the effect of missense changes on protein structure and function (PolyPhen-2) suggests that this variant is likely to be disruptive. In summary, the available evidence is currently insufficient to determine the role of this variant in disease. Therefore, it has been classified as a Variant of Uncertain Significance.

GeneDx
Classification: Uncertain significance. Last evaluated: 2025-09-03. Review status: criteria provided, single submitter. Criteria: GeneDx Variant Classification Process June 2021. Collection method: clinical testing. Allele origin: germline.
Comment: Not observed at significant frequency in large population cohorts (gnomAD); In silico analysis supports that this missense variant has a deleterious effect on protein structure/function; Has not been previously published as pathogenic or benign to our knowledge

Women's Health and Genetics/Laboratory Corporation of America, LabCorp
Classification: Uncertain significance. Last evaluated: 2025-03-06. Review status: criteria provided, single submitter. Criteria: LabCorp Variant Classification Summary - May 2015. Collection method: clinical testing. Allele origin: germline.
Comment: Variant summary: CARS2 c.1534C>T (p.Arg512Trp) results in a non-conservative amino acid change in the encoded protein sequence. Three of five in-silico tools predict a benign effect of the variant on protein function. The variant allele was found at a frequency of 2e-05 in 202028 control chromosomes. The available data on variant occurrences in the general population are insufficient to allow any conclusion about variant significance. To our knowledge, no occurrence of c.1534C>T in individuals affected with Combined Oxidative Phosphorylation Defect Type 27 and no experimental evidence demonstrating its impact on protein function have been reported. ClinVar contains an entry for this variant (Variation ID: 1422201). Based on the evidence outlined above, the variant was classified as uncertain significance.

NM_024537.4(CARS2):c.1534C>T (p.Arg512Trp)

Gene: CARS2 (cysteinyl-tRNA synthetase 2, mitochondrial; minus strand). Cytogenetic location: 13q34.
Variant type: single nucleotide variant.
Coding change: c.1534C>T on transcript NM_024537.4 (MANE Select); coding-DNA position 1534, C replaced by T.
Protein change: p.Arg512Trp; replaces arginine 512 with tryptophan.
Molecular consequence: missense variant. On other transcripts: non-coding transcript variant (2).
Genome position (GRCh38, 1-based): chr13:110,642,404, G>A on the plus strand (C>T on the coding strand, the complement: CARS2 is on the minus strand). VCF-style: chr13-110642404-G-A. GRCh37 (hg19) VCF-style: chr13-111294751-G-A.
Other names: c.1534C>T (NM_024537.2); c.748C>T, p.Arg250Trp (NM_001352252.2); short protein forms R250W, R512W.
Identifiers: ClinVar variation 1422201 (VCV001422201.10), dbSNP rs199527718, ClinGen allele CA7051616.